The following is an entry in ClinVar:

NM_000642.3(AGL):c.1792G>C (p.Gly598Arg)

Gene: AGL (amylo-alpha-1,6-glucosidase and 4-alpha-glucanotransferase; plus strand). Cytogenetic location: 1p21.2.
Variant type: single nucleotide variant.
Coding change: c.1792G>C on transcript NM_000642.3 (MANE Select); coding-DNA position 1792, G replaced by C.
Protein change: p.Gly598Arg; replaces glycine 598 with arginine.
Molecular consequence: missense variant.
Genome position (GRCh38, 1-based): chr1:99,880,688, G>C. VCF-style: chr1-99880688-G-C. GRCh37 (hg19) VCF-style: chr1-100346244-G-C.
Other names: c.1744G>C, p.Gly582Arg (NM_000646.3); c.1792G>C, p.Gly598Arg (NM_001425325.1, NM_001425326.1, NM_000028.3 and 2 more transcripts); c.1591G>C, p.Gly531Arg (NM_001425327.1); c.1588G>C, p.Gly530Arg (NM_001425328.1, NM_001425329.1); c.1414G>C, p.Gly472Arg (NM_001425332.1); short protein forms G598R, G582R, G472R, G530R, G531R.
Identifiers: ClinVar variation 2050332 (VCV002050332.1), dbSNP rs751712943, ClinGen allele CA966596.

ClinVar aggregate classification (germline): Uncertain significance (1 of 4 stars; one submission).

Conditions:
Glycogen storage disease type III (GSD3). Also called: Cori disease; FORBES DISEASE. Identifiers: Orphanet 366, MedGen C0017922, MONDO:0009291, OMIM 232400.

Allele frequency attached by ClinVar (database versions not stated): ExAC 0.00001.
gnomAD v4.1: 1 of 1,614,064 alleles (0.000062%); highest among the groups gnomAD compares: Non-Finnish European, 0.000085%; no homozygotes.

Submission:

Labcorp Genetics (formerly Invitae), Labcorp
Classification: Uncertain significance for Glycogen storage disease type III. Last evaluated: 2022-07-21. Review status: criteria provided, single submitter. Criteria: Invitae Variant Classification Sherloc (09022015). Collection method: clinical testing. Allele origin: germline.
Comment: This sequence change replaces glycine, which is neutral and non-polar, with arginine, which is basic and polar, at codon 598 of the AGL protein (p.Gly598Arg). This variant is present in population databases (rs751712943, gnomAD 0.0009%). This variant has not been reported in the literature in individuals affected with AGL-related conditions. Algorithms developed to predict the effect of missense changes on protein structure and function are either unavailable or do not agree on the potential impact of this missense change (SIFT: "Deleterious"; PolyPhen-2: "Probably Damaging"; Align-GVGD: "Class C0"). In summary, the available evidence is currently insufficient to determine the role of this variant in disease. Therefore, it has been classified as a Variant of Uncertain Significance.